The following is an entry in ClinVar:

ClinVar aggregate classification (germline): Uncertain significance (1 of 4 stars; one submission).

Allele frequency attached by ClinVar (database versions not stated): gnomAD exomes 0.00002 and 0.00003; gnomAD 0.00003; TOPMed 0.00004.
gnomAD v4.1: 50 of 1,613,418 alleles (0.0031%); highest among the groups gnomAD compares: Middle Eastern, 0.017%; no homozygotes.

Submission:

Labcorp Genetics (formerly Invitae), Labcorp
Classification: Uncertain significance. Last evaluated: 2021-03-19. Review status: criteria provided, single submitter. Criteria: Invitae Variant Classification Sherloc (09022015). Collection method: clinical testing. Allele origin: germline.
Comment: This sequence change replaces proline with leucine at codon 92 of the LIG1 protein (p.Pro92Leu). The proline residue is moderately conserved and there is a moderate physicochemical difference between proline and leucine. In summary, the available evidence is currently insufficient to determine the role of this variant in disease. Therefore, it has been classified as a Variant of Uncertain Significance. Algorithms developed to predict the effect of missense changes on protein structure and function (SIFT, PolyPhen-2, Align-GVGD) all suggest that this variant is likely to be tolerated, but these predictions have not been confirmed by published functional studies and their clinical significance is uncertain. This variant has not been reported in the literature in individuals with LIG1-related conditions. This variant is not present in population databases (ExAC no frequency).

NM_000234.3(LIG1):c.275C>T (p.Pro92Leu)

Gene: LIG1 (DNA ligase 1; minus strand). Cytogenetic location: 19q13.33.
Variant type: single nucleotide variant.
Coding change: c.275C>T on transcript NM_000234.3 (MANE Select); coding-DNA position 275, C replaced by T.
Protein change: p.Pro92Leu; replaces proline 92 with leucine.
Molecular consequence: missense variant. On other transcripts: non-coding transcript variant (6).
Genome position (GRCh38, 1-based): chr19:48,157,109, G>A on the plus strand (C>T on the coding strand, the complement: LIG1 is on the minus strand). VCF-style: chr19-48157109-G-A. GRCh37 (hg19) VCF-style: chr19-48660366-G-A.
Other names: c.185C>T, p.Pro62Leu (NM_001289063.2, NM_001320971.2); c.275C>T, p.Pro92Leu (NM_001289064.2, NM_001320970.2); short protein forms P62L, P92L.
Identifiers: ClinVar variation 1424282 (VCV001424282.6), dbSNP rs1027225095, ClinGen allele CA309315302.
Genomic context (GRCh38, chr19:48,157,109, plus strand): 5'-TCCATGGGAGAGGTGTCAGAGAGGGAAGCATTGTTCTCAGGAGATGTGGCAGGACGGGGC[G>A]GGGAGACCTGTGAGCAGTCCAGGGCAGGCTTCTGGAAGAGGAAAGAACAGTTCTAGAGTG-3'
Protein context (NP_000225.1, residues 82-102): KPALDCSQVS[Pro92Leu]PRPATSPENN